The following is an entry in ClinVar:

NM_001127392.3(MYRF):c.2801T>G (p.Ile934Ser)

Gene: MYRF (myelin regulatory factor; plus strand). Cytogenetic location: 11q12.2.
Variant type: single nucleotide variant.
Coding change: c.2801T>G on transcript NM_001127392.3 (MANE Select); coding-DNA position 2801, T replaced by G.
Protein change: p.Ile934Ser; replaces isoleucine 934 with serine.
Molecular consequence: missense variant.
Genome position (GRCh38, 1-based): chr11:61,781,609, T>G. VCF-style: chr11-61781609-T-G. GRCh37 (hg19) VCF-style: chr11-61549081-T-G.
Other names: c.2696T>G, p.Ile899Ser (NM_013279.4); short protein forms I899S, I934S.
Identifiers: ClinVar variation 1321042 (VCV001321042.2), dbSNP rs1013634920, ClinGen allele CA222937394.

ClinVar aggregate classification (germline): Uncertain significance (1 of 4 stars; one submission).

Allele frequency attached by ClinVar (database versions not stated): gnomAD exomes below 0.00001; gnomAD 0.00001; TOPMed 0.00002.
gnomAD v4.1: 7 of 1,613,770 alleles (0.00043%); highest among the groups gnomAD compares: Non-Finnish European, 0.00059%; no homozygotes.

Submission:

GeneDx
Classification: Uncertain significance. Last evaluated: 2019-08-21. Review status: criteria provided, single submitter. Criteria: GeneDx Variant Classification Process June 2021. Collection method: clinical testing. Allele origin: germline. Affected: yes.
Comment: Not observed in large population cohorts (Lek et al., 2016); In silico analysis, which includes protein predictors and evolutionary conservation, supports that this variant does not alter protein structure/function; Has not been previously published as pathogenic or benign to our knowledge